The following is an entry in ClinVar:

ClinVar aggregate classification (germline): Likely pathogenic (1 of 4 stars; one submission).

Conditions:
Ciliary dyskinesia, primary, 50 (CILD50). Identifiers: MedGen C5830473, MONDO:0957252, OMIM 620356.

gnomAD v4.1: 30 of 1,613,286 alleles (0.0019%); highest among the groups gnomAD compares: South Asian, 0.031%; 1 homozygote.

Submission:

Diagnostics Services (NGS), CSIR - Centre For Cellular And Molecular Biology
Classification: Likely pathogenic for Ciliary dyskinesia, primary, 50. Last evaluated: 2025-08-14. Review status: criteria provided, single submitter. Criteria: ACMG Guidelines, 2015. Collection method: clinical testing. Allele origin: germline. Affected: yes. Observed: 1 variant allele, 1 heterozygote.
Comment: The c.11869-2A>C variant is not present in EVS. The variant is present in 1000 Genomes, gnomAD, Indian Exome Database and our internal database, at low frequencies. This variant has neither been published in the literature for DNAH7-related conditions nor reported to clinical databases like HGMD, ClinVar or OMIM in any affected individuals. Algorithms developed to predict the effect of sequence changes on RNA splicing suggest that this variant can disrupt the consensus splice site. In-silico pathogenicity prediction programs like HSF3.1, MutationTaster2021, CADD, Varsome, Franklin, etc predicted this variant to be likely deleterious, however these predictions were not confirmed by any published functional/translational studies.

NM_018897.3(DNAH7):c.11869-2A>C

Gene: DNAH7 (dynein axonemal heavy chain 7; minus strand). Cytogenetic location: 2q32.3.
Variant type: single nucleotide variant.
Coding change: c.11869-2A>C on transcript NM_018897.3 (MANE Select); the canonical splice acceptor site of the intron before coding-DNA position 11869, A replaced by C.
Molecular consequence: splice acceptor variant.
Genome position (GRCh38, 1-based): chr2:195,738,129, T>G on the plus strand (A>C on the coding strand, the complement: DNAH7 is on the minus strand). VCF-style: chr2-195738129-T-G. GRCh37 (hg19) VCF-style: chr2-196602853-T-G.
Identifiers: ClinVar variation 4279591 (VCV004279591.1).